The following is an entry in ClinVar:

ClinVar aggregate classification (germline): Uncertain significance (1 of 4 stars; one submission).

Submission:

Labcorp Genetics (formerly Invitae), Labcorp
Classification: Uncertain significance. Last evaluated: 2023-04-12. Review status: criteria provided, single submitter. Criteria: Invitae Variant Classification Sherloc (09022015). Collection method: clinical testing. Allele origin: germline.
Comment: In summary, the available evidence is currently insufficient to determine the role of this variant in disease. Therefore, it has been classified as a Variant of Uncertain Significance. Advanced modeling of protein sequence and biophysical properties (such as structural, functional, and spatial information, amino acid conservation, physicochemical variation, residue mobility, and thermodynamic stability) performed at Invitae indicates that this missense variant is not expected to disrupt STAG1 protein function. This variant has not been reported in the literature in individuals affected with STAG1-related conditions. This variant is not present in population databases (gnomAD no frequency). This sequence change replaces glutamic acid, which is acidic and polar, with aspartic acid, which is acidic and polar, at codon 1092 of the STAG1 protein (p.Glu1092Asp).

NM_005862.3(STAG1):c.3276G>C (p.Glu1092Asp)

Gene: STAG1 (STAG1 cohesin complex component; minus strand). Cytogenetic location: 3q22.3.
Variant type: single nucleotide variant.
Coding change: c.3276G>C on transcript NM_005862.3 (MANE Select); coding-DNA position 3276, G replaced by C.
Protein change: p.Glu1092Asp; replaces glutamic acid 1092 with aspartic acid.
Molecular consequence: missense variant.
Genome position (GRCh38, 1-based): chr3:136,344,002, C>G on the plus strand (G>C on the coding strand, the complement: STAG1 is on the minus strand). VCF-style: chr3-136344002-C-G. GRCh37 (hg19) VCF-style: chr3-136062844-C-G.
Other names: short protein forms E1092D.
Identifiers: ClinVar variation 2783285 (VCV002783285.3), dbSNP rs372448385, ClinGen allele CA354653271.